The following is an entry in ClinVar:

ClinVar aggregate classification (germline): Uncertain significance (1 of 4 stars; one submission).

Allele frequency attached by ClinVar (database versions not stated): ExAC 0.00003; gnomAD 0.00001; TOPMed 0.00002.
gnomAD v4.1: 24 of 1,613,938 alleles (0.0015%); highest among the groups gnomAD compares: Admixed American, 0.0067%; no homozygotes.

Submission:

Labcorp Genetics (formerly Invitae), Labcorp
Classification: Uncertain significance. Last evaluated: 2021-09-01. Review status: criteria provided, single submitter. Criteria: Invitae Variant Classification Sherloc (09022015). Collection method: clinical testing. Allele origin: germline.
Comment: This sequence change replaces arginine with tryptophan at codon 1168 of the CDH23 protein (p.Arg1168Trp). The arginine residue is highly conserved and there is a moderate physicochemical difference between arginine and tryptophan. This variant is present in population databases (rs760741729, ExAC 0.01%). This variant has not been reported in the literature in individuals affected with CDH23-related conditions. Algorithms developed to predict the effect of missense changes on protein structure and function are either unavailable or do not agree on the potential impact of this missense change (SIFT: "Deleterious"; PolyPhen-2: "Not Available"; Align-GVGD: "Class C65"). In summary, the available evidence is currently insufficient to determine the role of this variant in disease. Therefore, it has been classified as a Variant of Uncertain Significance.

NM_022124.6(CDH23):c.3502C>T (p.Arg1168Trp)

Genes: C10orf105 (chromosome 10 open reading frame 105; minus strand), CDH23 (cadherin related 23; plus strand). Cytogenetic location: 10q22.1.
Variant type: single nucleotide variant.
Coding change: c.3502C>T on transcript NM_022124.6 (MANE Select); coding-DNA position 3502, C replaced by T.
Protein change: p.Arg1168Trp; replaces arginine 1168 with tryptophan.
Molecular consequence: missense variant. On other transcripts: intron variant (1).
Genome position (GRCh38, 1-based): chr10:71,725,443, C>T. VCF-style: chr10-71725443-C-T. GRCh37 (hg19) VCF-style: chr10-73485200-C-T.
Other names: c.3502C>T, p.Arg1168Trp (NM_001171930.2); c.-5-9101G>A (NM_001168390.2); short protein forms R1168W.
Identifiers: ClinVar variation 2075491 (VCV002075491.1), dbSNP rs760741729, ClinGen allele CA5544749.